The following is an entry in ClinVar:

NM_000135.4(FANCA):c.943C>G (p.Pro315Ala)

Gene: FANCA (FA complementation group A; minus strand). Cytogenetic location: 16q24.3.
Variant type: single nucleotide variant.
Coding change: c.943C>G on transcript NM_000135.4 (MANE Select); coding-DNA position 943, C replaced by G.
Protein change: p.Pro315Ala; replaces proline 315 with alanine.
Molecular consequence: missense variant.
Genome position (GRCh38, 1-based): chr16:89,795,969, G>C on the plus strand (C>G on the coding strand, the complement: FANCA is on the minus strand). VCF-style: chr16-89795969-G-C. GRCh37 (hg19) VCF-style: chr16-89862377-G-C.
Other names: c.943C>G, p.Pro315Ala (NM_001286167.3); short protein forms P315A.
Identifiers: ClinVar variation 4870837 (VCV004870837.1).

ClinVar aggregate classification (germline): Uncertain significance (1 of 4 stars; one submission).

Conditions:
Inborn genetic diseases. Identifiers: MedGen C0950123, MeSH D030342.

gnomAD v4.1: 1 of 1,614,174 alleles (0.000062%); highest among the groups gnomAD compares: Admixed American, 0.0017%; no homozygotes.

Submission:

Ambry Genetics
Classification: Uncertain significance for Inborn genetic diseases. Last evaluated: 2026-04-13. Review status: criteria provided, single submitter. Criteria: Ambry Variant Classification Scheme 2023. Collection method: clinical testing. Allele origin: germline.
Comment: The p.P315A variant (also known as c.943C>G), located in coding exon 11 of the FANCA gene, results from a C to G substitution at nucleotide position 943. The proline at codon 315 is replaced by alanine, an amino acid with highly similar properties. This amino acid position is conserved. In addition, this alteration is predicted to be tolerated by in silico analysis. Based on the available evidence, the clinical significance of this variant remains unclear.